The following is an entry in ClinVar:

ClinVar aggregate classification (germline): Likely pathogenic (1 of 4 stars; one submission).

Conditions:
Pseudohypoaldosteronism, type IB1, autosomal recessive. Also called: Autosomal recessive pseudohypoaldosteronism type 1; Pseudohypoaldosteronism, Type I, Recessive; Pseudohypoaldosteronism, Type I, Autosomal Recessive; PHA I, AUTOSOMAL RECESSIVE. Identifiers: Orphanet 171876, Orphanet 756, MedGen C5774176, MONDO:0009917, OMIM 264350.

gnomAD v4.1: 1 of 1,614,108 alleles (0.000062%); highest among the groups gnomAD compares: Non-Finnish European, 0.000085%; no homozygotes.

Submission:

Laboratory for Molecular Medicine, Mass General Brigham Personalized Medicine
Classification: Likely pathogenic for Pseudohypoaldosteronism, type IB1, autosomal recessive. Last evaluated: 2020-06-19. Review status: criteria provided, single submitter. Criteria: LMM Criteria. Collection method: clinical testing. Allele origin: germline. Observed: 1 variant allele.
Comment: This nonsense variant leads to a premature termination codon at position 440, which is predicted to lead to a truncated or absent protein. Loss of function of the SCNN1G gene is associated with autosomal recessive Pseudohypoaldosteronism type 1. In summary, this variant meets criteria to be classified as likely pathogenic for autosomal recessive Pseudohypoaldosteronism type 1. ACMG/AMP Criteria applied: PM2, PVS1_Strong.

Literature cited by the submitters: PubMed 18424465.

NM_001039.4(SCNN1G):c.1318C>T (p.Arg440Ter)

Gene: SCNN1G (sodium channel epithelial 1 subunit gamma; plus strand). Cytogenetic location: 16p12.2.
Variant type: single nucleotide variant.
Coding change: c.1318C>T on transcript NM_001039.4 (MANE Select); coding-DNA position 1318, C replaced by T.
Protein change: p.Arg440Ter; replaces arginine 440 with a stop codon.
Molecular consequence: nonsense.
Genome position (GRCh38, 1-based): chr16:23,212,701, C>T. VCF-style: chr16-23212701-C-T. GRCh37 (hg19) VCF-style: chr16-23224022-C-T.
Other names: short protein forms R440*.
Identifiers: ClinVar variation 1120080 (VCV001120080.4), dbSNP rs764425655, ClinGen allele CA395101986.